The following is an entry in ClinVar:

NM_006892.4(DNMT3B):c.1359G>A (p.Gly453=)

Gene: DNMT3B (DNA methyltransferase 3 beta; plus strand). Cytogenetic location: 20q11.21.
Variant type: single nucleotide variant.
Coding change: c.1359G>A on transcript NM_006892.4 (MANE Select); coding-DNA position 1359, G replaced by A.
Protein change: p.Gly453=; no amino-acid change (glycine 453 retained).
Molecular consequence: synonymous variant.
Genome position (GRCh38, 1-based): chr20:32,796,851, G>A. VCF-style: chr20-32796851-G-A. GRCh37 (hg19) VCF-style: chr20-31384657-G-A.
Other names: c.1173G>A, p.Gly391= (NM_001207055.2); c.1071G>A, p.Gly357= (NM_001207056.2); c.1299G>A, p.Gly433= (NM_175848.2, NM_175849.2); c.1335G>A, p.Gly445= (NM_175850.3).
Identifiers: ClinVar variation 338167 (VCV000338167.16), dbSNP rs35216603, ClinGen allele CA9810535.

ClinVar aggregate classification (germline): Benign/Likely benign. Review status: criteria provided, multiple submitters, no conflicts (2 of 4 stars). 3 submissions from 3 submitters: Benign (1); Likely benign (2). Last evaluated 2026-01-28.

Conditions:
Immunodeficiency-centromeric instability-facial anomalies syndrome 1 (ICF1). Identifiers: Orphanet 2268, MedGen C4551557, MONDO:0009454, OMIM 242860.
Centromeric instability of chromosomes 1,9 and 16 and immunodeficiency (ICF1). Also called: CENTROMERIC INSTABILITY, IMMUNODEFICIENCY SYNDROME; IMMUNE DEFICIENCY, VARIABLE, WITH CENTROMERIC INSTABILITY OF CHROMOSOMES 1, 9, AND 16; IMMUNODEFICIENCY SYNDROME, VARIABLE; Immunodeficiency-centromeric instability-facial anomalies. Identifiers: Orphanet 2268, MedGen C0398788, MONDO:0000133.

Allele frequency attached by ClinVar (database versions not stated): ESP Exome Variant Server 0.00715; TOPMed 0.00724; 1000 Genomes Project 0.01038; 1000 Genomes Project 30x 0.01062.
gnomAD v4.1: 1,969 of 1,614,146 alleles (0.12%); highest among the groups gnomAD compares: African/African-American, 2.2%; 17 homozygotes.

Submissions (3):

Labcorp Genetics (formerly Invitae), Labcorp
Classification: Benign for Centromeric instability of chromosomes 1,9 and 16 and immunodeficiency. Last evaluated: 2026-01-28. Review status: criteria provided, single submitter. Criteria: Invitae Variant Classification Sherloc (09022015). Collection method: clinical testing. Allele origin: germline.

Illumina Laboratory Services, Illumina
Classification: Likely benign for Immunodeficiency-centromeric instability-facial anomalies syndrome 1. Last evaluated: 2017-04-28. Review status: criteria provided, single submitter. Criteria: ICSL Variant Classification Criteria 13 December 2019. Collection method: clinical testing. Allele origin: germline.
Comment: This variant was observed as part of a predisposition screen in an ostensibly healthy population. A literature search was performed for the gene, cDNA change, and amino acid change (where applicable). No publications were found based on this search. Allele frequency data from public databases allowed determination this variant is unlikely to cause disease. Therefore, this variant is classified as likely benign.

Breakthrough Genomics
Classification: Likely benign. Review status: criteria provided, single submitter. Criteria: ACMG Guidelines, 2015. Collection method: not provided. Allele origin: germline. Inheritance: Autosomal recessive inheritance. Affected: yes.